The following is an entry in ClinVar:

NM_018993.4(RIN2):c.1726C>A (p.Pro576Thr)

Gene: RIN2 (Ras and Rab interactor 2; plus strand). Cytogenetic location: 20p11.23.
Variant type: single nucleotide variant.
Coding change: c.1726C>A on transcript NM_018993.4 (MANE Select); coding-DNA position 1726, C replaced by A.
Protein change: p.Pro576Thr; replaces proline 576 with threonine.
Molecular consequence: missense variant.
Genome position (GRCh38, 1-based): chr20:19,975,751, C>A. VCF-style: chr20-19975751-C-A. GRCh37 (hg19) VCF-style: chr20-19956395-C-A.
Other names: c.1873C>A, p.Pro625Thr (NM_001242581.2); c.1108C>A, p.Pro370Thr (NM_001378238.1); short protein forms P576T, P625T, P370T.
Identifiers: ClinVar variation 2896443 (VCV002896443.1), dbSNP rs777337752, ClinGen allele CA408363615.

ClinVar aggregate classification (germline): Uncertain significance (1 of 4 stars; one submission).

gnomAD v4.1: 40 of 1,612,254 alleles (0.0025%); highest among the groups gnomAD compares: Middle Eastern, 0.017%; no homozygotes.

Submission:

Labcorp Genetics (formerly Invitae), Labcorp
Classification: Uncertain significance. Last evaluated: 2024-01-02. Review status: criteria provided, single submitter. Criteria: Invitae Variant Classification Sherloc (09022015). Collection method: clinical testing. Allele origin: germline.
Comment: This sequence change replaces proline, which is neutral and non-polar, with threonine, which is neutral and polar, at codon 576 of the RIN2 protein (p.Pro576Thr). This variant is present in population databases (no rsID available, gnomAD 0.006%). This variant has not been reported in the literature in individuals affected with RIN2-related conditions. Experimental studies and prediction algorithms are not available or were not evaluated, and the functional significance of this variant is currently unknown. In summary, the available evidence is currently insufficient to determine the role of this variant in disease. Therefore, it has been classified as a Variant of Uncertain Significance.